The following is an entry in ClinVar:

NM_001083961.2(WDR62):c.3621G>A (p.Gln1207=)

Gene: WDR62 (WD repeat domain 62; plus strand). Cytogenetic location: 19q13.12.
Variant type: single nucleotide variant.
Coding change: c.3621G>A on transcript NM_001083961.2 (MANE Select); coding-DNA position 3621, G replaced by A.
Protein change: p.Gln1207=; no amino-acid change (glutamine 1207 retained).
Molecular consequence: synonymous variant.
Genome position (GRCh38, 1-based): chr19:36,103,449, G>A. VCF-style: chr19-36103449-G-A. GRCh37 (hg19) VCF-style: chr19-36594351-G-A.
Other names: c.3606G>A, p.Gln1202= (NM_173636.5).
Identifiers: ClinVar variation 515394 (VCV000515394.1), dbSNP rs1555724476, ClinGen allele CA507318339.

ClinVar aggregate classification (germline): Likely benign (1 of 4 stars; one submission).

Submission:

GeneDx
Classification: Likely benign. Last evaluated: 2018-02-02. Review status: criteria provided, single submitter. Criteria: GeneDx Variant Classification (06012015). Collection method: clinical testing. Allele origin: germline. Affected: yes.
Comment: This variant is considered likely benign or benign based on one or more of the following criteria: it is a conservative change, it occurs at a poorly conserved position in the protein, it is predicted to be benign by multiple in silico algorithms, and/or has population frequency not consistent with disease.